The following is an entry in ClinVar:

NM_020987.5(ANK3):c.9738T>A (p.Asn3246Lys)

Gene: ANK3 (ankyrin 3; minus strand). Cytogenetic location: 10q21.2.
Variant type: single nucleotide variant.
Coding change: c.9738T>A on transcript NM_020987.5 (MANE Select); coding-DNA position 9738, T replaced by A.
Protein change: p.Asn3246Lys; replaces asparagine 3246 with lysine.
Molecular consequence: missense variant. On other transcripts: intron variant (4).
Genome position (GRCh38, 1-based): chr10:60,071,143, A>T on the plus strand (T>A on the coding strand, the complement: ANK3 is on the minus strand). VCF-style: chr10-60071143-A-T. GRCh37 (hg19) VCF-style: chr10-61830901-A-T.
Other names: c.4388-3134T>A (NM_001204403.2); c.4409-3134T>A (NM_001204404.2); c.4406-3134T>A (NM_001320874.2); c.1808-3134T>A (NM_001149.4); short protein forms N3246K.
Identifiers: ClinVar variation 3765694 (VCV003765694.1).

ClinVar aggregate classification (germline): Uncertain significance (1 of 4 stars; one submission).

Submission:

Greenwood Genetic Center Diagnostic Laboratories, Greenwood Genetic Center
Classification: Uncertain significance. Last evaluated: 2024-10-03. Review status: criteria provided, single submitter. Criteria: ACMG Guidelines, 2015. Collection method: clinical testing. Allele origin: germline. Affected: yes.
Comment: PM2, BP4